The following is an entry in ClinVar:

NM_005045.4(RELN):c.2938G>C (p.Ala980Pro)

Gene: RELN (reelin; minus strand). Cytogenetic location: 7q22.1.
Variant type: single nucleotide variant.
Coding change: c.2938G>C on transcript NM_005045.4 (MANE Select); coding-DNA position 2938, G replaced by C.
Protein change: p.Ala980Pro; replaces alanine 980 with proline.
Molecular consequence: missense variant.
Genome position (GRCh38, 1-based): chr7:103,610,765, C>G on the plus strand (G>C on the coding strand, the complement: RELN is on the minus strand). VCF-style: chr7-103610765-C-G. GRCh37 (hg19) VCF-style: chr7-103251212-C-G.
Other names: c.2938G>C, p.Ala980Pro (NM_173054.3); short protein forms A980P.
Identifiers: ClinVar variation 649418 (VCV000649418.15), dbSNP rs373969392, ClinGen allele CA4421895.
Genomic context (GRCh38, chr7:103,610,765, plus strand): 5'-GGGGAAGAAGCACTATGACTCTCCTCCACTGTGTAAACTCACTGGCATGGTAAATACTTG[C>G]TGATGTAAATTCCTGACAACTTGGCATACTTGGAAGGCATTCCTGAAAGAAAGTTAGGCA-3'
Protein context (NP_005036.2, residues 970-990): SMPSCQEFTS[Ala980Pro]SIYHASEFTQ

ClinVar aggregate classification (germline): Conflicting classifications of pathogenicity. Review status: criteria provided, conflicting classifications (1 of 4 stars). 5 submissions from 5 submitters: Uncertain significance (4); Likely benign (1). Last evaluated 2026-06-01.

Conditions:
Norman-Roberts syndrome (LIS2). Also called: Lissencephaly 2 (Norman-Roberts type). Identifiers: Orphanet 89844, MedGen C0796089, MONDO:0009760, OMIM 257320.
Familial temporal lobe epilepsy 7. Identifiers: Orphanet 101046, MedGen C4225327, MONDO:0014639, OMIM 616436.

Allele frequency attached by ClinVar (database versions not stated): TOPMed 0.00002; gnomAD 0.00003; ESP Exome Variant Server 0.00008; ExAC 0.00002; gnomAD exomes 0.00002.
gnomAD v4.1: 36 of 1,612,040 alleles (0.0022%); highest among the groups gnomAD compares: Non-Finnish European, 0.0029%; no homozygotes.

Submissions (5):

CeGaT Center for Human Genetics Tuebingen
Classification: Uncertain significance. Last evaluated: 2026-06-01. Review status: criteria provided, single submitter. Criteria: CeGaT Center For Human Genetics Tuebingen Variant Classification Criteria Version 2. Collection method: clinical testing. Allele origin: germline. Affected: yes. Observed: 1 variant allele.
Comment: RELN: PM2

Labcorp Genetics (formerly Invitae), Labcorp
Classification: Likely benign for Familial temporal lobe epilepsy 7; Norman-Roberts syndrome. Last evaluated: 2025-08-20. Review status: criteria provided, single submitter. Criteria: Invitae Variant Classification Sherloc (09022015). Collection method: clinical testing. Allele origin: germline.

GeneDx
Classification: Uncertain significance. Last evaluated: 2025-06-21. Review status: criteria provided, single submitter. Criteria: GeneDx Variant Classification Process June 2021. Collection method: clinical testing. Allele origin: germline. Affected: yes.
Comment: Has not been previously published as pathogenic or benign to our knowledge; Not observed at significant frequency in large population cohorts (gnomAD); In silico analysis suggests that this missense variant does not alter protein structure/function

Blueprint Genetics
Classification: Uncertain significance. Last evaluated: 2021-10-27. Review status: criteria provided, single submitter. Criteria: ACMG Guidelines, 2015. Collection method: clinical testing. Allele origin: germline.

Athena Diagnostics
Classification: Uncertain significance. Last evaluated: 2019-06-25. Review status: criteria provided, single submitter. Criteria: Athena Diagnostics Criteria. Collection method: clinical testing. Allele origin: germline.